The following is an entry in ClinVar:

ClinVar aggregate classification (germline): Uncertain significance. Review status: criteria provided, multiple submitters, no conflicts (2 of 4 stars). 3 submissions from 3 submitters: Uncertain significance (3). Last evaluated 2026-01-14.

Conditions:
Hereditary cancer-predisposing syndrome. Also called: Neoplastic Syndromes, Hereditary; Tumor predisposition; Hereditary neoplastic syndrome; Hereditary Cancer Syndrome. Identifiers: Orphanet 140162, MedGen C0027672, MeSH D009386, MONDO:0015356.

Submissions (3):

Ambry Genetics
Classification: Uncertain significance for Hereditary cancer-predisposing syndrome. Last evaluated: 2026-01-14. Review status: criteria provided, single submitter. Criteria: Ambry Variant Classification Scheme 2023. Collection method: clinical testing. Allele origin: germline.
Comment: The p.M383T variant (also known as c.1148T>C), located in coding exon 12 of the POLE gene, results from a T to C substitution at nucleotide position 1148. The methionine at codon 383 is replaced by threonine, an amino acid with similar properties. This amino acid position is highly conserved in available vertebrate species. In addition, the in silico prediction for this alteration is inconclusive. Since supporting evidence is limited at this time, the clinical significance of this alteration remains unclear.

Quest Diagnostics Nichols Institute San Juan Capistrano
Classification: Uncertain significance. Last evaluated: 2024-10-19. Review status: criteria provided, single submitter. Criteria: Quest Diagnostics criteria. Collection method: clinical testing. Allele origin: unknown.
Comment: The POLE c.1148T>C (p.Met383Thr) variant has not been reported in individuals with POLE-related conditions in the published literature. It also has not been reported in large, multi-ethnic general populations (Genome Aggregation Database). Analysis of this variant using bioinformatics tools for the prediction of the effect of amino acid changes on protein structure and function yielded predictions that this variant is damaging. Based on the available information, we are unable to determine the clinical significance of this variant.

Labcorp Genetics (formerly Invitae), Labcorp
Classification: Uncertain significance. Last evaluated: 2023-08-02. Review status: criteria provided, single submitter. Criteria: Invitae Variant Classification Sherloc (09022015). Collection method: clinical testing. Allele origin: germline.
Comment: In summary, the available evidence is currently insufficient to determine the role of this variant in disease. Therefore, it has been classified as a Variant of Uncertain Significance. Advanced modeling of protein sequence and biophysical properties (such as structural, functional, and spatial information, amino acid conservation, physicochemical variation, residue mobility, and thermodynamic stability) performed at Invitae indicates that this missense variant is expected to disrupt POLE protein function. ClinVar contains an entry for this variant (Variation ID: 405629). This variant has not been reported in the literature in individuals affected with POLE-related conditions. This variant is not present in population databases (gnomAD no frequency). This sequence change replaces methionine, which is neutral and non-polar, with threonine, which is neutral and polar, at codon 383 of the POLE protein (p.Met383Thr).

NM_006231.4(POLE):c.1148T>C (p.Met383Thr)

Gene: POLE (DNA polymerase epsilon, catalytic subunit; minus strand). Cytogenetic location: 12q24.33.
Variant type: single nucleotide variant.
Coding change: c.1148T>C on transcript NM_006231.4 (MANE Select); coding-DNA position 1148, T replaced by C.
Protein change: p.Met383Thr; replaces methionine 383 with threonine.
Molecular consequence: missense variant.
Genome position (GRCh38, 1-based): chr12:132,675,476, A>G on the plus strand (T>C on the coding strand, the complement: POLE is on the minus strand). VCF-style: chr12-132675476-A-G. GRCh37 (hg19) VCF-style: chr12-133252062-A-G.
Other names: short protein forms M383T.
Identifiers: ClinVar variation 405629 (VCV000405629.17), dbSNP rs1060500787, ClinGen allele CA16613658.